The following is an entry in ClinVar:

NM_178857.6(RP1L1):c.455G>A (p.Arg152Gln)

Gene: RP1L1 (RP1 like 1). Cytogenetic location: 8p23.1.
Variant type: single nucleotide variant.
Coding change: c.455G>A on transcript NM_178857.6 (MANE Select); coding-DNA position 455, G replaced by A.
Protein change: p.Arg152Gln; replaces arginine 152 with glutamine.
Molecular consequence: missense variant.
Genome position (GRCh38, 1-based): chr8:10,622,747, C>T on the plus strand (G>A on the coding strand, the complement: RP1L1 is on the minus strand). VCF-style: chr8-10622747-C-T. GRCh37 (hg19) VCF-style: chr8-10480257-C-T.
Other names: short protein forms R152Q.
Identifiers: ClinVar variation 1211909 (VCV001211909.18), dbSNP rs200213603, ClinGen allele CA4625688.
Genomic context (GRCh38, chr8:10,622,747, plus strand): 5'-TGACTGAGAACCACTGTCTGCTGGAGGCGAGGGTCCATGTTCTTAATCAGCAGTATCCTC[C>T]GGGGGGTTTTAAGACTCTTCCGGGAGGAGGAGGTGCCTGGGGCTTCACGCTGGCCTTCGA-3'
Protein context (NP_849188.4, residues 142-162): SSSRKSLKTP[Arg152Gln]RILLIKNMDP

ClinVar aggregate classification (germline): Uncertain significance. Review status: criteria provided, multiple submitters, no conflicts (2 of 4 stars). 8 submissions from 8 submitters: Uncertain significance (8). Last evaluated 2026-09-09.

Conditions:
RP1L1-related disorder. Also called: RP1L1-related condition.
Retinal dystrophy. Also called: Inherited retinal dystrophy. Identifiers: Orphanet 71862, MedGen C0854723, MeSH D058499, MONDO:0019118, HP:0000556.
Occult macular dystrophy (OCMD). Also called: OCCULT MACULAR DYSTROPHY, SUSCEPTIBILITY TO; OMD. Identifiers: Orphanet 247834, MedGen C3150833, MONDO:0013316, OMIM 613587, HP:0030636.
Retinitis pigmentosa 88. Identifiers: MedGen C5394208, MONDO:0032940, OMIM 618826.

Allele frequency attached by ClinVar (database versions not stated): 1000 Genomes Project 0.00020; gnomAD 0.00030 and 0.00034; ExAC 0.00033; gnomAD exomes 0.00034 and 0.00047; TOPMed 0.00036; 1000 Genomes Project 30x 0.00016; ESP Exome Variant Server 0.00083.
gnomAD v4.1: 733 of 1,614,036 alleles (0.045%); highest among the groups gnomAD compares: Non-Finnish European, 0.054%; no homozygotes.

Submissions (8):

PreventionGenetics, part of Exact Sciences
Classification: Uncertain significance for RP1L1-related condition. Last evaluated: 2026-09-09. Review status: criteria provided, single submitter. Criteria: ACMG Guidelines, 2015. Collection method: clinical testing. Allele origin: germline.
Comment: The RP1L1 c.455G>A variant is predicted to result in the amino acid substitution p.Arg152Gln. This variant has been reported along with a nonsense variant in RP1L1 in two siblings with autosomal recessive retinitis pigmentosa (Zobor et al. 2018. PubMed ID: 30025130). This variant is reported in 0.055% of alleles in individuals of European (Non-Finnish) descent in gnomAD. At this time, the clinical significance of this variant is uncertain due to the absence of conclusive functional and genetic evidence.

CeGaT Center for Human Genetics Tuebingen
Classification: Uncertain significance. Last evaluated: 2026-04-01. Review status: criteria provided, single submitter. Criteria: CeGaT Center For Human Genetics Tuebingen Variant Classification Criteria Version 2. Collection method: clinical testing. Allele origin: germline. Affected: yes. Observed: 1 variant allele.
Comment: RP1L1: PM2:Supporting

Labcorp Genetics (formerly Invitae), Labcorp
Classification: Uncertain significance. Last evaluated: 2026-01-11. Review status: criteria provided, single submitter. Criteria: Invitae Variant Classification Sherloc (09022015). Collection method: clinical testing. Allele origin: germline.
Comment: This sequence change replaces arginine, which is basic and polar, with glutamine, which is neutral and polar, at codon 152 of the RP1L1 protein (p.Arg152Gln). This variant is present in population databases (rs200213603, gnomAD 0.06%). This missense change has been observed in individual(s) with retinitis pigmentosa (PMID: 30025130). ClinVar contains an entry for this variant (Variation ID: 1211909). Invitae Evidence Modeling of protein sequence and biophysical properties (such as structural, functional, and spatial information, amino acid conservation, physicochemical variation, residue mobility, and thermodynamic stability) indicates that this missense variant is not expected to disrupt RP1L1 protein function with a negative predictive value of 80%. In summary, the available evidence is currently insufficient to determine the role of this variant in disease. Therefore, it has been classified as a Variant of Uncertain Significance.

Blueprint Genetics
Classification: Uncertain significance. Last evaluated: 2024-07-16. Review status: criteria provided, single submitter. Criteria: ACMG Guidelines, 2015. Collection method: clinical testing. Allele origin: germline.

Institute of Human Genetics, Univ. Regensburg, Univ. Regensburg
Classification: Uncertain significance for Retinal dystrophy. Last evaluated: 2023-01-01. Review status: criteria provided, single submitter. Criteria: ACMG Guidelines, 2015. Collection method: clinical testing. Allele origin: germline. Affected: yes.

Fulgent Genetics
Classification: Uncertain significance for Occult macular dystrophy; Retinitis pigmentosa 88. Last evaluated: 2022-03-08. Review status: criteria provided, single submitter. Criteria: ACMG Guidelines, 2015. Collection method: clinical testing. Allele origin: unknown.

Revvity Omics, Revvity
Classification: Uncertain significance. Last evaluated: 2020-08-24. Review status: criteria provided, single submitter. Criteria: ACMG Guidelines, 2015. Collection method: clinical testing. Allele origin: germline.

GeneDx
Classification: Uncertain significance. Last evaluated: 2019-02-01. Review status: criteria provided, single submitter. Criteria: GeneDx Variant Classification Process June 2021. Collection method: clinical testing. Allele origin: germline. Affected: yes.
Comment: In silico analysis, which includes protein predictors and evolutionary conservation, supports a deleterious effect; This variant is associated with the following publications: (PMID: 30025130)

Literature cited by the submitters: PubMed 30025130 (cited by Labcorp Genetics (formerly Invitae), Labcorp and Institute of Human Genetics, Univ. Regensburg, Univ. Regensburg); PubMed 3442652 (cited by Institute of Human Genetics, Univ. Regensburg, Univ. Regensburg).